The following is an entry in ClinVar:

ClinVar aggregate classification (germline): Uncertain significance (1 of 4 stars; one submission).

Conditions:
Leukodystrophy, hypomyelinating, 6. Also called: TUBB4A-Associated Leukodystrophy; LEUKODYSTROPHY, HYPOMYELINATING, WITH ATROPHY OF THE BASAL GANGLIA AND CEREBELLUM; Hypomyelination with Atrophy of Basal Ganglia and Cerebellum (H-ABC). Identifiers: Orphanet 139441, MedGen C2676244, MONDO:0012905, OMIM 612438.

Submission:

Labcorp Genetics (formerly Invitae), Labcorp
Classification: Uncertain significance for Leukodystrophy, hypomyelinating, 6. Last evaluated: 2024-06-17. Review status: criteria provided, single submitter. Criteria: Invitae Variant Classification Sherloc (09022015). Collection method: clinical testing. Allele origin: germline.
Comment: This sequence change replaces glycine, which is neutral and non-polar, with serine, which is neutral and polar, at codon 360 of the TUBB4A protein (p.Gly360Ser). This variant is not present in population databases (gnomAD no frequency). This variant has not been reported in the literature in individuals affected with TUBB4A-related conditions. Advanced modeling of protein sequence and biophysical properties (such as structural, functional, and spatial information, amino acid conservation, physicochemical variation, residue mobility, and thermodynamic stability) performed at Invitae indicates that this missense variant is not expected to disrupt TUBB4A protein function with a negative predictive value of 80%. In summary, the available evidence is currently insufficient to determine the role of this variant in disease. Therefore, it has been classified as a Variant of Uncertain Significance.

NM_006087.4(TUBB4A):c.1078G>A (p.Gly360Ser)

Gene: TUBB4A (tubulin beta 4A class IVa; minus strand). Cytogenetic location: 19p13.3.
Variant type: single nucleotide variant.
Coding change: c.1078G>A on transcript NM_006087.4 (MANE Select); coding-DNA position 1078, G replaced by A.
Protein change: p.Gly360Ser; replaces glycine 360 with serine.
Molecular consequence: missense variant.
Genome position (GRCh38, 1-based): chr19:6,495,421, C>T on the plus strand (G>A on the coding strand, the complement: TUBB4A is on the minus strand). VCF-style: chr19-6495421-C-T. GRCh37 (hg19) VCF-style: chr19-6495432-C-T.
Other names: c.1231G>A, p.Gly411Ser (NM_001289123.2); c.1213G>A, p.Gly405Ser (NM_001289127.2); c.1078G>A, p.Gly360Ser (NM_001289129.2); c.862G>A, p.Gly288Ser (NM_001289130.2, NM_001289131.2); short protein forms G288S, G360S, G405S, G411S.
Identifiers: ClinVar variation 3627079 (VCV003627079.2).